The following is an entry in ClinVar:

NM_175914.5(HNF4A):c.297C>G (p.Phe99Leu)

Gene: HNF4A (hepatocyte nuclear factor 4 alpha; plus strand). Cytogenetic location: 20q13.12.
Variant type: single nucleotide variant.
Coding change: c.297C>G on transcript NM_175914.5 (MANE Select); coding-DNA position 297, C replaced by G.
Protein change: p.Phe99Leu; replaces phenylalanine 99 with leucine.
Molecular consequence: missense variant.
Genome position (GRCh38, 1-based): chr20:44,407,453, C>G. VCF-style: chr20-44407453-C-G. GRCh37 (hg19) VCF-style: chr20-43036093-C-G.
Other names: NM_175914.5:c.297C>G; c.363C>G, p.Phe121Leu (NM_000457.6, NM_178849.3, NM_178850.3); c.297C>G, p.Phe99Leu (NM_001030003.3, NM_001030004.3); c.342C>G, p.Phe114Leu (NM_001258355.2); c.288C>G, p.Phe96Leu (NM_001287182.2, NM_001287183.2, NM_001287184.2); short protein forms F114L, F121L, F96L, F99L.
Identifiers: ClinVar variation 3068528 (VCV003068528.1), dbSNP rs2515651149, ClinGen allele CA409104356.

ClinVar aggregate classification (germline): Uncertain significance (3 of 4 stars; one submission).

Conditions:
Monogenic diabetes. Identifiers: Orphanet 183625, MedGen C3888631, MONDO:0015967.

Submission:

ClinGen Monogenic Diabetes Variant Curation Expert Panel
Classification: Uncertain significance for Monogenic diabetes. Last evaluated: 2024-04-05. Review status: reviewed by expert panel. Criteria: ClinGen Diabetes ACMG Specifications HNF4A V2.0.0. Collection method: curation. Allele origin: germline. Inheritance: Autosomal dominant inheritance.
Comment: The c.297C>G variant in the hepatocyte nuclear factor 4-alpha gene, HNF4A, causes an amino acid change of phenylalanine to leucine at codon 99 (p.(Phe99Leu)) of NM_175914.5. This variant is absent in gnomAD v2.1.1 (PM2_Supporting). It was identified in two unrelated individuals with non-autoimmune and non-absolute/near-absolute insulin-deficient diabetes; however, PS4_Moderate cannot be applied because this number is below the ClinGen MDEP threshold (PMID:18356407, internal lab contributor). These individuals have a clinical history highly specific for HNF4A-MODY (MODY probability calculator result >50%, negative genetic testing for HNF1A, and antibody negative) (PP4_Moderate; internal lab contributors). This variant is located within the DNA binding domain (codons 37-113) of HNF4A, which is defined as critical for the protein’s function by the ClinGen MDEP (PM1_Supporting). It was also predicted to be deleterious by computational evidence, with a REVEL score of 0.751, which is greater than the MDEP VCEP threshold of 0.70 (PP3). In summary, c.297C>G meets the criteria to be classified as a variant of uncertain significance for monogenic diabetes. ACMG/AMP criteria applied, as specified by the ClinGen MDEP (specification version 1.1.0, approved 8/11/23): PP4_Moderate, PP3, PM1_Supporting, PM2_Supporting.